The following is an entry in ClinVar:

ClinVar aggregate classification (germline): Conflicting classifications of pathogenicity. Review status: criteria provided, conflicting classifications (1 of 4 stars). 6 submissions from 6 submitters: Pathogenic (1); Likely pathogenic (4); Uncertain significance (1). Last evaluated 2025-08-14.

Conditions:
Inborn genetic diseases. Identifiers: MedGen C0950123, MeSH D030342.
Encephalopathy due to GLUT1 deficiency. Also called: De Vivo disease; GLUT1 deficiency syndrome 1; GLUCOSE TRANSPORT DEFECT, BLOOD-BRAIN BARRIER; Glucose transporter protein syndrome; GLUT1 deficiency syndrome 1, infantile onset, severe; Classic Glucose Transporter Type 1 Deficiency Syndrome. Identifiers: Orphanet 71277, MedGen C4551966, MONDO:0011724, OMIM 606777.
GLUT1 deficiency syndrome 1, autosomal recessive. Identifiers: MedGen C3149117.
Childhood onset GLUT1 deficiency syndrome 2. Also called: Exertion-induced paroxysmal dyskinesia; GLUT1 deficiency syndrome 2; PxMD-SLC2A1; PAROXYSMAL EXERCISE-INDUCED DYSKINESIA WITH OR WITHOUT EPILEPSY AND/OR HEMOLYTIC ANEMIA; PAROXYSMAL EXERTION-INDUCED DYSTONIA WITH OR WITHOUT EPILEPSY AND/OR HEMOLYTIC ANEMIA; PED WITH OR WITHOUT EPILEPSY AND/OR HEMOLYTIC ANEMIA. Identifiers: Orphanet 98811, MedGen C1842534, MONDO:0012805, OMIM 612126.

Submissions (6):

Variantyx, Inc.
Classification: Likely pathogenic for Childhood onset GLUT1 deficiency syndrome 2. Last evaluated: 2025-08-14. Review status: criteria provided, single submitter. Criteria: Variantyx Assertion Criteria 2022. Collection method: clinical testing. Allele origin: germline. Inheritance: Autosomal dominant inheritance. Affected: yes.
Comment: This is a nonsynonymous variant in the SLC2A1 gene (OMIM: 138140). Pathogenic variants in this gene have been associated with autosomal dominant GLUT1 related disorders. This variant has been reported in at least two affected individuals (PMID: 34305802, 20129935) (PS4_ and it has been observed to segregate with disease in at least 3 individuals from one family (PMID: 34305802) (PP1). Alternate amino acid change(s) at this position (p.Met96Val) have been previously reported in similarly affected individuals, which suggests that this residue is biologically important (PMID: 30588498) (PM5). Multiple computational algorithms predict a deleterious effect for this variant (REVEL score: 0.888) (PP3). This variant is absent from control populations (PM2). Based on the current evidence, this variant is classified as likely pathogenic for autosomal dominant GLUT1 related disorders.

Ambry Genetics
Classification: Uncertain significance for Inborn genetic diseases. Last evaluated: 2025-01-29. Review status: criteria provided, single submitter. Criteria: Ambry Variant Classification Scheme 2023. Collection method: clinical testing. Allele origin: germline.
Comment: The c.287T>C (p.M96T) alteration is located in exon 4 (coding exon 4) of the SLC2A1 gene. This alteration results from a T to C substitution at nucleotide position 287, causing the methionine (M) at amino acid position 96 to be replaced by a threonine (T). This variant was not reported in population-based cohorts in the Genome Aggregation Database (gnomAD). This variant was identified in multiple individuals from one family with features consistent with GLUT1 deficiency syndrome (Kegele, 2021). Another variant at the same codon, c.286A>G (p.M96V) has been identified in individual(s) with features consistent with GLUT1 deficiency syndrome (Leen, 2010). This amino acid position is highly conserved in available vertebrate species. This alteration is predicted to be deleterious by in silico analysis. Based on insufficient or conflicting evidence, the clinical significance of this alteration remains unclear.

Institute of Medical Genetics and Applied Genomics, University Hospital Tübingen
Classification: Likely pathogenic for Encephalopathy due to GLUT1 deficiency. Last evaluated: 2024-03-19. Review status: criteria provided, single submitter. Criteria: ACMG Guidelines, 2015. Collection method: clinical testing. Allele origin: germline. Inheritance: Autosomal dominant inheritance. Affected: yes.

Genome-Nilou Lab
Classification: Likely pathogenic for Encephalopathy due to GLUT1 deficiency. Last evaluated: 2023-04-11. Review status: criteria provided, single submitter. Criteria: ACMG Guidelines, 2015. Collection method: clinical testing. Allele origin: germline. Affected: no.

Labcorp Genetics (formerly Invitae), Labcorp
Classification: Pathogenic for GLUT1 deficiency syndrome 1, autosomal recessive. Last evaluated: 2023-03-23. Review status: criteria provided, single submitter. Criteria: Invitae Variant Classification Sherloc (09022015). Collection method: clinical testing. Allele origin: germline.
Comment: This sequence change replaces methionine, which is neutral and non-polar, with threonine, which is neutral and polar, at codon 96 of the SLC2A1 protein (p.Met96Thr). This variant is not present in population databases (gnomAD no frequency). This missense change has been observed in individual(s) with clinical features of SLC2A1-related conditions (PMID: 34305802). It has also been observed to segregate with disease in related individuals. ClinVar contains an entry for this variant (Variation ID: 847673). Advanced modeling of protein sequence and biophysical properties (such as structural, functional, and spatial information, amino acid conservation, physicochemical variation, residue mobility, and thermodynamic stability) performed at Invitae indicates that this missense variant is expected to disrupt SLC2A1 protein function. This variant disrupts the p.Met96 amino acid residue in SLC2A1. Other variant(s) that disrupt this residue have been determined to be pathogenic (PMID: 20129935, 26598494, 30588498). This suggests that this residue is clinically significant, and that variants that disrupt this residue are likely to be disease-causing. For these reasons, this variant has been classified as Pathogenic.

Experimental Epileptology, AG Lerche, Hertie Institute for Clinical Brain Research
Classification: Likely pathogenic for Childhood onset GLUT1 deficiency syndrome 2. Last evaluated: 2021-05-19. Review status: criteria provided, single submitter. Criteria: ACMG Guidelines, 2015. Collection method: research. Allele origin: unknown. Affected: yes.
Comment: ACMG Criteria: PM2, PM5, PP1, PP3

Literature cited by the submitters: PubMed 34305802 (cited by 4 submitters); PubMed 20129935 (cited by 3 submitters); PubMed 30588498 (cited by Variantyx, Inc. and Labcorp Genetics (formerly Invitae), Labcorp); PubMed 26598494 (cited by Labcorp Genetics (formerly Invitae), Labcorp).

NM_006516.4(SLC2A1):c.287T>C (p.Met96Thr)

Gene: SLC2A1 (solute carrier family 2 member 1; minus strand). Cytogenetic location: 1p34.2.
Variant type: single nucleotide variant.
Coding change: c.287T>C on transcript NM_006516.4 (MANE Select); coding-DNA position 287, T replaced by C.
Protein change: p.Met96Thr; replaces methionine 96 with threonine.
Molecular consequence: missense variant.
Genome position (GRCh38, 1-based): chr1:42,930,855, A>G on the plus strand (T>C on the coding strand, the complement: SLC2A1 is on the minus strand). VCF-style: chr1-42930855-A-G. GRCh37 (hg19) VCF-style: chr1-43396526-A-G.
Other names: short protein forms M96T.
Identifiers: ClinVar variation 847673 (VCV000847673.14), dbSNP rs1643481875, ClinGen allele CA339961417.